The following is an entry in ClinVar:

NM_000094.4(COL7A1):c.4317_4318delinsA (p.Pro1441fs)

Gene: COL7A1 (collagen type VII alpha 1 chain; minus strand). Cytogenetic location: 3p21.31.
Variant type: Indel.
Coding change: c.4317_4318delinsA on transcript NM_000094.4 (MANE Select); coding-DNA positions 4317 to 4318, CC replaced by A.
Protein change: p.Pro1441fs; shifts the reading frame from proline 1441.
Molecular consequence: frameshift variant.
Genome position (GRCh38, 1-based): chr3:48,583,741-48,583,742, GG replaced by T on the plus strand (CC replaced by A on the coding strand, the reverse complement: COL7A1 is on the minus strand). VCF-style: chr3-48583741-GG-T. GRCh37 (hg19) VCF-style: chr3-48621174-GG-T.
Other names: c.4317_4318delinsA (NM_000094.3); short protein forms P1441fs.
Identifiers: ClinVar variation 3589276 (VCV003589276.3).
Genomic context (GRCh38, chr3:48,583,741, plus strand): 5'-CCCCAGAACTGGGACATCATCAAGTCAGCCTTCCTACTTTTTCTCCTTTCTTTCCAGGGG[GG>T]CCAACGGGGCCTTGGGGTCCAGGGCTTCCGGGAAGACCCTAGGAAGAAGTGAGTAAAAAT-3'

ClinVar aggregate classification (germline): Pathogenic/Likely pathogenic. Review status: criteria provided, multiple submitters, no conflicts (2 of 4 stars). 3 submissions from 3 submitters: Pathogenic (1); Likely pathogenic (2). Last evaluated 2026-01-10.

Conditions:
Nonsyndromic congenital nail disorder 8. Also called: TOENAIL DYSTROPHY, ISOLATED. Identifiers: MedGen C1843761, MONDO:0011852, OMIM 607523.
Epidermolysis bullosa pruriginosa. Also called: DEB, PRURIGINOSA; DYSTROPHIC EPIDERMOLYSIS BULLOSA PRURIGINOSA. Identifiers: Orphanet 89843, MedGen C1275114, MONDO:0011398, OMIM 604129.
Recessive dystrophic epidermolysis bullosa (RDEB). Also called: epidermolysis bullosa dystrophica, autosomal recessive; Recessive DEB (RDEB); Hallopeau-Siemens Disease; DYSTROPHIC EPIDERMOLYSIS BULLOSA, AUTOSOMAL RECESSIVE; EPIDERMOLYSIS BULLOSA DYSTROPHICA, HALLOPEAU-SIEMENS TYPE; EPIDERMOLYSIS BULLOSA DYSTROPHICA, GENERALIZED SEVERE, AUTOSOMAL RECESSIVE. Identifiers: Orphanet 79408, Orphanet 79409, MedGen C0079474, MONDO:0009179, OMIM 226600.
Dominant dystrophic epidermolysis bullosa with absence of skin. Also called: EPIDERMOLYSIS BULLOSA WITH CONGENITAL LOCALIZED ABSENCE OF SKIN AND DEFORMITY OF NAILS; EPIDERMOLYSIS BULLOSA DYSTROPHICA, BART TYPE. Identifiers: MedGen C0268371, MONDO:0007557, OMIM 132000.
Transient bullous dermolysis of the newborn (TBDN). Also called: EPIDERMOLYSIS BULLOSA DYSTROPHICA, NEONATAL FORM; DYSTROPHIC EPIDERMOLYSIS BULLOSA, NEONATAL. Identifiers: Orphanet 79411, MedGen C1851573, MONDO:0007548, OMIM 131705.
Pretibial dystrophic epidermolysis bullosa. Also called: Pretibial epidermolysis bullosa; EPIDERMOLYSIS BULLOSA DYSTROPHICA, PRETIBIAL; Pretibial blistering. Identifiers: Orphanet 79410, MedGen C0432321, MONDO:0007552, OMIM 131850, HP:0012221.
Generalized dominant dystrophic epidermolysis bullosa (DDEB). Also called: Dominant DEB (DDEB); DDEB, generalized; DDEB-gen; DYSTROPHIC EPIDERMOLYSIS BULLOSA, AUTOSOMAL DOMINANT; Epidermolysis bullosa dystrophica, autosomal dominant. Identifiers: Orphanet 231568, MedGen C0432322, MONDO:0007549, OMIM 131750.
Epidermolysis bullosa dystrophica. Also called: Dystrophic epidermolysis bullosa, Hallopeau-Siemens type (formerly); Dystrophic epidermolysis bullosa. Identifiers: Orphanet 303, MedGen C0079294, MONDO:0006543.

Submissions (3):

Myriad Genetics, Inc.
Classification: Pathogenic for Recessive dystrophic epidermolysis bullosa. Last evaluated: 2026-01-10. Review status: criteria provided, single submitter. Criteria: Myriad Autosomal Dominant, Autosomal Recessive and X-Linked Classification Criteria (2023). Collection method: clinical testing. Allele origin: unknown.
Comment: NM_000094.3(COL7A1):c.4317_4318delCCinsA(P1441Lfs*269) is expected to be pathogenic in the context of dystrophic epidermolysis bullosa. This variant is predicted to lead to an abnormal or absent protein product due to the creation of a premature termination codon in COL7A1, a gene where loss-of-function variants are known to be pathogenic. Please note: this variant was assessed in the context of healthy population screening.

Natera, Inc.
Classification: Likely pathogenic for Dystrophic epidermolysis bullosa. Last evaluated: 2024-06-27. Review status: criteria provided, single submitter. Criteria: Natera Variant Classification Schema (03/2026). Collection method: clinical testing. Allele origin: germline.
Comment: The c.4317_4318delinsA variant in COL7A1 is a frameshift variant predicted to shift the reading frame beginning at codon 1441 and leads to a stop codon 269 codons downstream. This variant is expected to result in nonsense mediated decay, truncation, or a dysfunctional protein product. This variant is rare in the general population with a frequency below the threshold expected for the associated phenotype(s). Given the available evidence, this variant is classified as Likely Pathogenic.

Fulgent Genetics
Classification: Likely pathogenic for Transient bullous dermolysis of the newborn; Generalized dominant dystrophic epidermolysis bullosa; Pretibial dystrophic epidermolysis bullosa; Dominant dystrophic epidermolysis bullosa with absence of skin; Recessive dystrophic epidermolysis bullosa; Epidermolysis bullosa pruriginosa; Nonsyndromic congenital nail disorder 8. Last evaluated: 2024-02-18. Review status: criteria provided, single submitter. Criteria: ACMG Guidelines, 2015. Collection method: clinical testing. Allele origin: germline.